The following is an entry in ClinVar:

NM_018100.4(EFHC1):c.778C>T (p.Arg260Trp)

Gene: EFHC1 (EF-hand domain containing 1; plus strand). Cytogenetic location: 6p12.2.
Variant type: single nucleotide variant.
Coding change: c.778C>T on transcript NM_018100.4 (MANE Select); coding-DNA position 778, C replaced by T.
Protein change: p.Arg260Trp; replaces arginine 260 with tryptophan.
Molecular consequence: missense variant. On other transcripts: non-coding transcript variant (1).
Genome position (GRCh38, 1-based): chr6:52,454,149, C>T. VCF-style: chr6-52454149-C-T. GRCh37 (hg19) VCF-style: chr6-52318947-C-T.
Other names: c.721C>T, p.Arg241Trp (NM_001172420.2); c.778C>T (NM_018100.3); short protein forms R241W, R260W.
Identifiers: ClinVar variation 1052926 (VCV001052926.12), dbSNP rs1164027334, ClinGen allele CA364452670.
Genomic context (GRCh38, chr6:52,454,149, plus strand): 5'-TCAAAGGTCCTTCGATTCTATGCAATCTGGGATGATACAGACAGCATGTATGGTGAATGT[C>T]GGACCTACATCATTCATTACTATCTTATGGATGATACGGTGGAAATTCGAGAGGTCCACG-3'
Protein context (NP_060570.2, residues 250-270): DDTDSMYGEC[Arg260Trp]TYIIHYYLMD

ClinVar aggregate classification (germline): Uncertain significance. Review status: criteria provided, multiple submitters, no conflicts (2 of 4 stars). 3 submissions from 3 submitters: Uncertain significance (3). Last evaluated 2024-08-21.

Conditions:
Absence seizure. Also called: Absence epilepsy. Identifiers: Orphanet 1941, MedGen C0014553.
Myoclonic epilepsy, juvenile, susceptibility to, 1. Also called: Myoclonic Epilepsy, Juvenile, 1; EJM1. Identifiers: MedGen C1850778, MONDO:0020752, OMIM 254770.

Allele frequency attached by ClinVar (database versions not stated): gnomAD exomes 0.00001 and 0.00002; gnomAD 0.00003.
gnomAD v4.1: 25 of 1,613,800 alleles (0.0015%); highest among the groups gnomAD compares: African/African-American, 0.0067%; no homozygotes.

Submissions (3):

Blueprint Genetics
Classification: Uncertain significance. Last evaluated: 2024-08-21. Review status: criteria provided, single submitter. Criteria: ACMG Guidelines, 2015. Collection method: clinical testing. Allele origin: germline.

Ambry Genetics
Classification: Uncertain significance. Last evaluated: 2024-02-05. Review status: criteria provided, single submitter. Criteria: Ambry Variant Classification Scheme 2023. Collection method: clinical testing. Allele origin: germline.

Labcorp Genetics (formerly Invitae), Labcorp
Classification: Uncertain significance for Myoclonic epilepsy, juvenile, susceptibility to, 1; Absence seizure. Last evaluated: 2020-05-25. Review status: criteria provided, single submitter. Criteria: Invitae Variant Classification Sherloc (09022015). Collection method: clinical testing. Allele origin: germline.
Comment: This variant is not present in population databases (ExAC no frequency). This sequence change replaces arginine with tryptophan at codon 260 of the EFHC1 protein (p.Arg260Trp). The arginine residue is highly conserved and there is a moderate physicochemical difference between arginine and tryptophan. This variant has not been reported in the literature in individuals with EFHC1-related conditions. In summary, the available evidence is currently insufficient to determine the role of this variant in disease. Therefore, it has been classified as a Variant of Uncertain Significance. Algorithms developed to predict the effect of missense changes on protein structure and function are either unavailable or do not agree on the potential impact of this missense change (SIFT: "Deleterious"; PolyPhen-2: "Benign"; Align-GVGD: "Class C15").